The following is an entry in ClinVar:

ClinVar aggregate classification (germline): Uncertain significance (1 of 4 stars; one submission).

Conditions:
NIK deficiency. Also called: Primary immunodeficiency with multifaceted aberrant lymphoid immunity. Identifiers: Orphanet 447731, MedGen C5680065, MONDO:0018642.

gnomAD v4.1: 3 of 1,609,196 alleles (0.00019%); highest among the groups gnomAD compares: Middle Eastern, 0.017%; no homozygotes.

Submission:

Labcorp Genetics (formerly Invitae), Labcorp
Classification: Uncertain significance for NIK deficiency. Last evaluated: 2025-03-03. Review status: criteria provided, single submitter. Criteria: Invitae Variant Classification Sherloc (09022015). Collection method: clinical testing. Allele origin: germline.
Comment: This sequence change falls in intron 4 of the MAP3K14 gene. It does not directly change the encoded amino acid sequence of the MAP3K14 protein. This variant is not present in population databases (gnomAD no frequency). This variant has not been reported in the literature in individuals affected with MAP3K14-related conditions. ClinVar contains an entry for this variant (Variation ID: 1387555). Algorithms developed to predict the effect of sequence changes on RNA splicing suggest that this variant may create or strengthen a splice site. In summary, the available evidence is currently insufficient to determine the role of this variant in disease. Therefore, it has been classified as a Variant of Uncertain Significance.

NM_003954.5(MAP3K14):c.538-5C>A

Gene: MAP3K14 (mitogen-activated protein kinase kinase kinase 14; minus strand). Cytogenetic location: 17q21.31.
Variant type: single nucleotide variant.
Coding change: c.538-5C>A on transcript NM_003954.5 (MANE Select); 5 bases into the intron before coding-DNA position 538, C replaced by A.
Molecular consequence: intron variant.
Genome position (GRCh38, 1-based): chr17:45,287,050, G>T on the plus strand (C>A on the coding strand, the complement: MAP3K14 is on the minus strand). VCF-style: chr17-45287050-G-T. GRCh37 (hg19) VCF-style: chr17-43364416-G-T.
Identifiers: ClinVar variation 1387555 (VCV001387555.6), dbSNP rs374961674, ClinGen allele CA291069928.